The following is an entry in ClinVar:

NM_002458.3(MUC5B):c.6916A>G (p.Ile2306Val)

Genes: MUC5B (mucin 5B, oligomeric mucus/gel-forming; plus strand), MUC5B-AS1 (MUC5B antisense RNA 1; minus strand). Cytogenetic location: 11p15.5.
Variant type: single nucleotide variant.
Coding change: c.6916A>G on transcript NM_002458.3 (MANE Select); coding-DNA position 6916, A replaced by G.
Protein change: p.Ile2306Val; replaces isoleucine 2306 with valine.
Molecular consequence: missense variant.
Genome position (GRCh38, 1-based): chr11:1,243,796, A>G. VCF-style: chr11-1243796-A-G. GRCh37 (hg19) VCF-style: chr11-1265026-A-G.
Other names: c.6916A>G (NM_002458.2); short protein forms I2306V.
Identifiers: ClinVar variation 2641225 (VCV002641225.25), dbSNP rs200568241, ClinGen allele CA5806188.
Genomic context (GRCh38, chr11:1,243,796, plus strand): 5'-GCCACACCCAGCAAGACCCGCACCTCGACCCTGCTGCCCAGCAGCCCCACATCGGCCCCC[A>G]TAACCACGGTGGTGACCATGGGCTGTGAGCCCCAGTGTGCCTGGTCAGAGTGGCTGGACT-3'
Protein context (NP_002449.2, residues 2296-2316): LLPSSPTSAP[Ile2306Val]TTVVTMGCEP

ClinVar aggregate classification (germline): Conflicting classifications of pathogenicity. Review status: criteria provided, conflicting classifications (1 of 4 stars). 2 submissions from 2 submitters: Uncertain significance (1); Likely benign (1). Last evaluated 2025-08-11.

Allele frequency attached by ClinVar (database versions not stated): ExAC 0.00234; gnomAD exomes 0.00305; ESP Exome Variant Server 0.00366; 1000 Genomes Project 0.00020; 1000 Genomes Project 30x 0.00031; TOPMed 0.00193; gnomAD 0.00211.

Submissions (2):

Ambry Genetics
Classification: Uncertain significance. Last evaluated: 2025-08-11. Review status: criteria provided, single submitter. Criteria: Ambry Variant Classification Scheme 2023. Collection method: clinical testing. Allele origin: germline.

CeGaT Center for Human Genetics Tuebingen
Classification: Likely benign. Last evaluated: 2023-03-01. Review status: criteria provided, single submitter. Criteria: CeGaT Center For Human Genetics Tuebingen Variant Classification Criteria Version 2. Collection method: clinical testing. Allele origin: germline. Affected: yes. Observed: 1 variant allele.
Comment: MUC5B: BP4, BS2